The following is an entry in ClinVar:

NM_006907.4(PYCR1):c.151A>T (p.Lys51Ter)

Gene: PYCR1 (pyrroline-5-carboxylate reductase 1; minus strand). Cytogenetic location: 17q25.3.
Variant type: single nucleotide variant.
Coding change: c.151A>T on transcript NM_006907.4 (MANE Select); coding-DNA position 151, A replaced by T.
Protein change: p.Lys51Ter; replaces lysine 51 with a stop codon.
Molecular consequence: nonsense.
Genome position (GRCh38, 1-based): chr17:81,935,504, T>A on the plus strand (A>T on the coding strand, the complement: PYCR1 is on the minus strand). VCF-style: chr17-81935504-T-A. GRCh37 (hg19) VCF-style: chr17-79893380-T-A.
Other names: c.151A>T, p.Lys51Ter (NM_001282279.2, NM_001282280.2, NM_001330523.2 and 1 more transcripts); c.232A>T, p.Lys78Ter (NM_001282281.2); short protein forms K51*, K78*.
Identifiers: ClinVar variation 1878382 (VCV001878382.3), dbSNP rs2510120701, ClinGen allele CA401540142.

ClinVar aggregate classification (germline): Pathogenic/Likely pathogenic. Review status: criteria provided, multiple submitters, no conflicts (2 of 4 stars). 2 submissions from 2 submitters: Pathogenic (1); Likely pathogenic (1). Last evaluated 2024-09-30.

Conditions:
Cutis laxa. Identifiers: Orphanet 209, MedGen C0010495, MONDO:0016175, HP:0000973.

Submissions (2):

Labcorp Genetics (formerly Invitae), Labcorp
Classification: Pathogenic. Last evaluated: 2024-09-30. Review status: criteria provided, single submitter. Criteria: Invitae Variant Classification Sherloc (09022015). Collection method: clinical testing. Allele origin: germline.
Comment: This sequence change creates a premature translational stop signal (p.Lys51*) in the PYCR1 gene. It is expected to result in an absent or disrupted protein product. Loss-of-function variants in PYCR1 are known to be pathogenic (PMID: 19648921). This variant is not present in population databases (gnomAD no frequency). This variant has not been reported in the literature in individuals affected with PYCR1-related conditions. ClinVar contains an entry for this variant (Variation ID: 1878382). For these reasons, this variant has been classified as Pathogenic.

Women's Health and Genetics/Laboratory Corporation of America, LabCorp
Classification: Likely pathogenic for Cutis laxa. Last evaluated: 2022-12-24. Review status: criteria provided, single submitter. Criteria: LabCorp Variant Classification Summary - May 2015. Collection method: clinical testing. Allele origin: germline.
Comment: Variant summary: PYCR1 c.151A>T (p.Lys51X) results in a premature termination codon, predicted to cause a truncation of the encoded protein or absence of the protein due to nonsense mediated decay, which are commonly known mechanisms for disease. The variant was absent in 241162 control chromosomes (gnomAD). To our knowledge, no occurrence of c.151A>T in individuals affected with Cutis Laxa - PYCR1 Related and no experimental evidence demonstrating its impact on protein function have been reported. No clinical diagnostic laboratories have submitted clinical-significance assessments for this variant to ClinVar after 2014. Based on the evidence outlined above, the variant was classified as likely pathogenic.

Literature cited by the submitters: PubMed 19648921 (cited by Labcorp Genetics (formerly Invitae), Labcorp).